The following is an entry in ClinVar:

NM_021939.4(FKBP10):c.279G>A (p.Val93=)

Gene: FKBP10 (FKBP prolyl isomerase 10; plus strand). Cytogenetic location: 17q21.2.
Variant type: single nucleotide variant.
Coding change: c.279G>A on transcript NM_021939.4 (MANE Select); coding-DNA position 279, G replaced by A.
Protein change: p.Val93=; no amino-acid change (valine 93 retained).
Molecular consequence: synonymous variant.
Genome position (GRCh38, 1-based): chr17:41,817,091, G>A. VCF-style: chr17-41817091-G-A. GRCh37 (hg19) VCF-style: chr17-39973343-G-A.
Identifiers: ClinVar variation 2917713 (VCV002917713.4), dbSNP rs137992633, ClinGen allele CA8566181.

ClinVar aggregate classification (germline): Likely benign. Review status: criteria provided, multiple submitters, no conflicts (2 of 4 stars). 2 submissions from 2 submitters: Likely benign (2). Last evaluated 2026-07-01.

Allele frequency attached by ClinVar (database versions not stated): gnomAD exomes 0.00002; ExAC 0.00008; 1000 Genomes Project 30x 0.00016; gnomAD 0.00017; 1000 Genomes Project 0.00020; ESP Exome Variant Server 0.00023; TOPMed 0.00023.
gnomAD v4.1: 55 of 1,614,122 alleles (0.0034%); highest among the groups gnomAD compares: African/African-American, 0.063%; no homozygotes.

Submissions (2):

CeGaT Center for Human Genetics Tuebingen
Classification: Likely benign. Last evaluated: 2026-07-01. Review status: criteria provided, single submitter. Criteria: CeGaT Center For Human Genetics Tuebingen Variant Classification Criteria Version 2. Collection method: clinical testing. Allele origin: germline. Affected: yes. Observed: 1 variant allele.
Comment: FKBP10: BP4, BP7

Labcorp Genetics (formerly Invitae), Labcorp
Classification: Likely benign. Last evaluated: 2026-01-14. Review status: criteria provided, single submitter. Criteria: Invitae Variant Classification Sherloc (09022015). Collection method: clinical testing. Allele origin: germline.